The following is an entry in ClinVar:

ClinVar aggregate classification (germline): Uncertain significance (1 of 4 stars; one submission).

Conditions:
Pure or complex autosomal recessive spastic paraplegia. Identifiers: Orphanet 320346, MedGen C5679887, MONDO:0017915.

Allele frequency attached by ClinVar (database versions not stated): TOPMed below 0.00001.

Submission:

Labcorp Genetics (formerly Invitae), Labcorp
Classification: Uncertain significance for Pure or complex autosomal recessive spastic paraplegia. Last evaluated: 2022-08-11. Review status: criteria provided, single submitter. Criteria: Invitae Variant Classification Sherloc (09022015). Collection method: clinical testing. Allele origin: germline.
Comment: This sequence change replaces aspartic acid, which is acidic and polar, with valine, which is neutral and non-polar, at codon 994 of the ZFR protein (p.Asp994Val). In summary, the available evidence is currently insufficient to determine the role of this variant in disease. Therefore, it has been classified as a Variant of Uncertain Significance. Algorithms developed to predict the effect of missense changes on protein structure and function are either unavailable or do not agree on the potential impact of this missense change (SIFT: "Deleterious"; PolyPhen-2: "Not Available"; Align-GVGD: "Class C15"). This variant has not been reported in the literature in individuals affected with ZFR-related conditions. This variant is not present in population databases (gnomAD no frequency).

NM_016107.5(ZFR):c.2981A>T (p.Asp994Val)

Gene: ZFR (zinc finger RNA binding protein; minus strand). Cytogenetic location: 5p13.3.
Variant type: single nucleotide variant.
Coding change: c.2981A>T on transcript NM_016107.5 (MANE Select); coding-DNA position 2981, A replaced by T.
Protein change: p.Asp994Val; replaces aspartic acid 994 with valine.
Molecular consequence: missense variant. On other transcripts: non-coding transcript variant (1).
Genome position (GRCh38, 1-based): chr5:32,364,012, T>A on the plus strand (A>T on the coding strand, the complement: ZFR is on the minus strand). VCF-style: chr5-32364012-T-A. GRCh37 (hg19) VCF-style: chr5-32364118-T-A.
Other names: short protein forms D994V.
Identifiers: ClinVar variation 2108621 (VCV002108621.4), dbSNP rs1752486873, ClinGen allele CA359346211.